The following is an entry in ClinVar:

NM_000038.6(APC):c.8200A>C (p.Lys2734Gln)

Gene: APC (APC regulator of Wnt signaling pathway; plus strand). Cytogenetic location: 5q22.2.
Variant type: single nucleotide variant.
Coding change: c.8200A>C on transcript NM_000038.6 (MANE Select); coding-DNA position 8200, A replaced by C.
Protein change: p.Lys2734Gln; replaces lysine 2734 with glutamine.
Molecular consequence: missense variant. On other transcripts: non-coding transcript variant (2).
Genome position (GRCh38, 1-based): chr5:112,843,794, A>C. VCF-style: chr5-112843794-A-C. GRCh37 (hg19) VCF-style: chr5-112179491-A-C.
Other names: c.7927A>C, p.Lys2643Gln (NM_001354902.2); c.7897A>C, p.Lys2633Gln (NM_001354903.2, NM_001407458.1, NM_001407459.1 and 1 more transcripts); c.7822A>C, p.Lys2608Gln (NM_001354904.2); c.7720A>C, p.Lys2574Gln (NM_001354905.2); c.7351A>C, p.Lys2451Gln (NM_001354906.2, NM_001407470.1); c.8284A>C, p.Lys2762Gln (NM_001407446.1); c.8254A>C, p.Lys2752Gln (NM_001407447.1, NM_001407448.1, NM_001407449.1 and 1 more transcripts); c.8200A>C, p.Lys2734Gln (NM_001407450.1, NM_001127510.3, NM_001354895.2); and 12 more; short protein forms K2350Q, K2451Q, K2574Q, K2605Q, K2608Q, K2633Q, K2643Q, K2651Q.
Identifiers: ClinVar variation 3072143 (VCV003072143.2), dbSNP rs2150000877, ClinGen allele CA16039132.

ClinVar aggregate classification (germline): Uncertain significance. Review status: criteria provided, multiple submitters, no conflicts (2 of 4 stars). 2 submissions from 2 submitters: Uncertain significance (2). Last evaluated 2024-06-19.

Conditions:
Classic or attenuated familial adenomatous polyposis. Identifiers: MedGen CN372698, MONDO:0021057.
Hereditary cancer-predisposing syndrome. Also called: Hereditary neoplastic syndrome; Hereditary Cancer Syndrome; Neoplastic Syndromes, Hereditary; Tumor predisposition. Identifiers: Orphanet 140162, MedGen C0027672, MeSH D009386, MONDO:0015356.

Submissions (2):

Ambry Genetics
Classification: Uncertain significance for Hereditary cancer-predisposing syndrome. Last evaluated: 2024-06-19. Review status: criteria provided, single submitter. Criteria: Ambry Variant Classification Scheme 2023. Collection method: clinical testing. Allele origin: germline.
Comment: The p.K2734Q variant (also known as c.8200A>C), located in coding exon 15 of the APC gene, results from an A to C substitution at nucleotide position 8200. The lysine at codon 2734 is replaced by glutamine, an amino acid with similar properties. This amino acid position is conserved. In addition, in silico predictors for this gene do not accurately predict pathogenicity. Based on the available evidence, the clinical significance of this variant remains unclear.

All of Us Research Program, National Institutes of Health
Classification: Uncertain significance for Classic or attenuated familial adenomatous polyposis. Last evaluated: 2023-06-26. Review status: criteria provided, single submitter. Criteria: ACMG Guidelines, 2015. Collection method: clinical testing. Allele origin: germline. Inheritance: Autosomal dominant inheritance. Observed: 1 variant allele, 1 heterozygote.
Comment: This missense variant replaces lysine with glutamine at codon 2734 of the APC protein. Computational prediction suggests that this variant may not impact protein structure and function (internally defined REVEL score threshold <= 0.5, PMID: 27666373). To our knowledge, functional studies have not been reported for this variant. This variant has not been reported in individuals affected with APC-related disorders in the literature. This variant has not been identified in the general population by the Genome Aggregation Database (gnomAD). The available evidence is insufficient to determine the role of this variant in disease conclusively. Therefore, this variant is classified as a Variant of Uncertain Significance.

This study involves interpretation of variants in research participants for the purpose of population health screening. Participant phenotype was not available at the time of variant classification. Additional details can be found in publication PMID: 35346344, PMCID: PMC8962531